The following is an entry in ClinVar:

NM_005228.5(EGFR):c.219T>G (p.Asn73Lys)

Gene: EGFR (epidermal growth factor receptor; plus strand). Cytogenetic location: 7p11.2.
Variant type: single nucleotide variant.
Coding change: c.219T>G on transcript NM_005228.5 (MANE Select); coding-DNA position 219, T replaced by G.
Protein change: p.Asn73Lys; replaces asparagine 73 with lysine.
Molecular consequence: missense variant. On other transcripts: intron variant (1).
Genome position (GRCh38, 1-based): chr7:55,142,416, T>G. VCF-style: chr7-55142416-T-G. GRCh37 (hg19) VCF-style: chr7-55210109-T-G.
Other names: c.219T>G, p.Asn73Lys (NM_001346897.2, NM_001346898.2, NM_001346899.2 and 3 more transcripts); c.60T>G, p.Asn20Lys (NM_001346900.2); c.89-13414T>G (NM_001346941.2); short protein forms N73K, N20K.
Identifiers: ClinVar variation 3003608 (VCV003003608.4), dbSNP rs1269583681, ClinGen allele CA367574973.

ClinVar aggregate classification (germline): Uncertain significance. Review status: criteria provided, multiple submitters, no conflicts (2 of 4 stars). 2 submissions from 2 submitters: Uncertain significance (2). Last evaluated 2025-12-13.

Conditions:
Hereditary cancer-predisposing syndrome. Also called: Hereditary Cancer Syndrome; Neoplastic Syndromes, Hereditary; Tumor predisposition; Hereditary neoplastic syndrome. Identifiers: Orphanet 140162, MedGen C0027672, MeSH D009386, MONDO:0015356.
EGFR-related lung cancer (EGFR). Identifiers: MedGen CN130014.

Allele frequency attached by ClinVar (database versions not stated): TOPMed below 0.00001.
gnomAD v4.1: 1 of 1,614,160 alleles (0.000062%); highest among the groups gnomAD compares: Non-Finnish European, 0.000085%; no homozygotes.

Submissions (2):

Ambry Genetics
Classification: Uncertain significance for Hereditary cancer-predisposing syndrome. Last evaluated: 2025-12-13. Review status: criteria provided, single submitter. Criteria: Ambry Variant Classification Scheme 2023. Collection method: clinical testing. Allele origin: germline.
Comment: The p.N73K variant (also known as c.219T>G), located in coding exon 2 of the EGFR gene, results from a T to G substitution at nucleotide position 219. The asparagine at codon 73 is replaced by lysine, an amino acid with similar properties. This amino acid position is conserved. In addition, this alteration is predicted to be tolerated by in silico analysis. Based on the available evidence, the clinical significance of this variant remains unclear.

Labcorp Genetics (formerly Invitae), Labcorp
Classification: Uncertain significance for EGFR-related lung cancer. Last evaluated: 2023-10-14. Review status: criteria provided, single submitter. Criteria: Invitae Variant Classification Sherloc (09022015). Collection method: clinical testing. Allele origin: germline.
Comment: This sequence change replaces asparagine, which is neutral and polar, with lysine, which is basic and polar, at codon 73 of the EGFR protein (p.Asn73Lys). This variant is not present in population databases (gnomAD no frequency). This variant has not been reported in the literature in individuals affected with EGFR-related conditions. Advanced modeling of protein sequence and biophysical properties (such as structural, functional, and spatial information, amino acid conservation, physicochemical variation, residue mobility, and thermodynamic stability) performed at Invitae indicates that this missense variant is not expected to disrupt EGFR protein function. In summary, the available evidence is currently insufficient to determine the role of this variant in disease. Therefore, it has been classified as a Variant of Uncertain Significance.